The following is an entry in ClinVar:

ClinVar aggregate classification (germline): Uncertain significance (1 of 4 stars; one submission).

Conditions:
Hereditary spastic paraplegia 30. Identifiers: Orphanet 101010, MedGen C5235139, MONDO:0012476.
Neuropathy, hereditary sensory, type 2C. Also called: Hereditary sensory and autonomic neuropathy type IIC; KIF1A-Related HSAN2 (HSAN2C). Identifiers: Orphanet 970, MedGen C3280168, MONDO:0013634, OMIM 614213.
Intellectual disability, autosomal dominant 9 (NESCAVS). Also called: NESCAV SYNDROME; KIF1A-Related Neurodevelopmental Disorder. Identifiers: Orphanet 662367, MedGen C5393830, MONDO:0013656, OMIM 614255.

Allele frequency attached by ClinVar (database versions not stated): gnomAD 0.00001; gnomAD exomes 0.00001; TOPMed 0.00002.
gnomAD v4.1: 4 of 1,612,804 alleles (0.00025%); highest among the groups gnomAD compares: Non-Finnish European, 0.00025%; no homozygotes.

Submission:

Labcorp Genetics (formerly Invitae), Labcorp
Classification: Uncertain significance for Hereditary spastic paraplegia 30; Neuropathy, hereditary sensory, type 2C; Intellectual disability, autosomal dominant 9. Last evaluated: 2025-10-13. Review status: criteria provided, single submitter. Criteria: Invitae Variant Classification Sherloc (09022015). Collection method: clinical testing. Allele origin: germline.
Comment: This sequence change replaces glycine, which is neutral and non-polar, with serine, which is neutral and polar, at codon 997 of the KIF1A protein (p.Gly997Ser). This variant is present in population databases (no rsID available, gnomAD 0.002%). This variant has not been reported in the literature in individuals affected with KIF1A-related conditions. ClinVar contains an entry for this variant (Variation ID: 1435568). Invitae Evidence Modeling of protein sequence and biophysical properties (such as structural, functional, and spatial information, amino acid conservation, physicochemical variation, residue mobility, and thermodynamic stability) has been performed for this missense variant. However, the output from this modeling did not meet the statistical confidence thresholds required to predict the impact of this variant on KIF1A protein function. In summary, the available evidence is currently insufficient to determine the role of this variant in disease. Therefore, it has been classified as a Variant of Uncertain Significance.

NM_001244008.2(KIF1A):c.3292G>A (p.Gly1098Ser)

Gene: KIF1A (kinesin family member 1A; minus strand). Cytogenetic location: 2q37.3.
Variant type: single nucleotide variant.
Coding change: c.3292G>A on transcript NM_001244008.2 (MANE Select); coding-DNA position 3292, G replaced by A.
Protein change: p.Gly1098Ser; replaces glycine 1098 with serine.
Molecular consequence: missense variant.
Genome position (GRCh38, 1-based): chr2:240,745,820, C>T on the plus strand (G>A on the coding strand, the complement: KIF1A is on the minus strand). VCF-style: chr2-240745820-C-T. GRCh37 (hg19) VCF-style: chr2-241685237-C-T.
Other names: c.3016G>A, p.Gly1006Ser (NM_001320705.2, NM_001330289.2, NM_001379638.1); c.3091G>A, p.Gly1031Ser (NM_001330290.2, NM_001379634.1, NM_001379635.1 and 1 more transcripts); c.3367G>A, p.Gly1123Ser (NM_001379631.1); c.3241G>A, p.Gly1081Ser (NM_001379632.1); c.3265G>A, p.Gly1089Ser (NM_001379633.1, NM_001379642.1, NM_001379645.1); c.2989G>A, p.Gly997Ser (NM_001379636.1, NM_001379639.1, NM_001379641.1 and 5 more transcripts); c.3064G>A, p.Gly1022Ser (NM_001379637.1, NM_001379648.1); c.2986G>A, p.Gly996Ser (NM_001379640.1); short protein forms G1006S, G1031S, G1098S, G1022S, G1089S, G1081S, G997S, G1123S.
Identifiers: ClinVar variation 1435568 (VCV001435568.8), dbSNP rs1041754142, ClinGen allele CA68157102.
Genomic context (GRCh38, chr2:240,745,820, plus strand): 5'-CATATTCGGCAGAGATGCTGGACGCCTGCAGGACTGTCACACGGAAGGTGAAGGTGTTGC[C>T]CAGGCGGAGGTGGTCCAGGGCAGCATCCAGGGGCCCATCCAGGGCGGCTTTCTCAGAGCT-3'
Protein context (NP_001230937.1, residues 1088-1108): LDAALDHLRL[Gly1098Ser]NTFTFRVTVL